The following is an entry in ClinVar:

ClinVar aggregate classification (germline): Benign/Likely benign. Review status: criteria provided, multiple submitters, no conflicts (2 of 4 stars). 7 submissions from 7 submitters: Benign (1); Likely benign (5). 1 of the submissions does not count toward it. Last evaluated 2026-07-01.

Conditions:
ITPR1-related disorder. Also called: ITPR1-related condition.
Autosomal dominant cerebellar ataxia. Also called: Spinocerebellar Ataxia, Dominant. Identifiers: Orphanet 99, MedGen C4087347, MONDO:0020380.

Allele frequency attached by ClinVar (database versions not stated): TOPMed 0.00032; gnomAD 0.00034 and 0.00038; ExAC 0.00036; gnomAD exomes 0.00039 and 0.00064; 1000 Genomes Project 0.00060; 1000 Genomes Project 30x 0.00062; ESP Exome Variant Server 0.00066.
gnomAD v4.1: 991 of 1,613,926 alleles (0.061%); highest among the groups gnomAD compares: South Asian, 0.08%; 1 homozygote.

Submissions (7):

CeGaT Center for Human Genetics Tuebingen
Classification: Likely benign. Last evaluated: 2026-07-01. Review status: criteria provided, single submitter. Criteria: CeGaT Center For Human Genetics Tuebingen Variant Classification Criteria Version 2. Collection method: clinical testing. Allele origin: germline. Affected: yes. Observed: 4 variant alleles.
Comment: ITPR1: BP4, BP7

Labcorp Genetics (formerly Invitae), Labcorp
Classification: Likely benign. Last evaluated: 2025-11-01. Review status: criteria provided, single submitter. Criteria: Invitae Variant Classification Sherloc (09022015). Collection method: clinical testing. Allele origin: germline.

Blueprint Genetics
Classification: Likely benign. Last evaluated: 2024-10-16. Review status: criteria provided, single submitter. Criteria: ACMG Guidelines, 2015. Collection method: clinical testing. Allele origin: germline.

Athena Diagnostics
Classification: Benign. Last evaluated: 2021-02-04. Review status: criteria provided, single submitter. Criteria: Athena Diagnostics criteria. Collection method: clinical testing. Allele origin: unknown.

GeneDx
Classification: Likely benign. Last evaluated: 2021-01-11. Review status: criteria provided, single submitter. Criteria: GeneDx Variant Classification Process June 2021. Collection method: clinical testing. Allele origin: germline. Affected: yes.

Illumina Laboratory Services, Illumina
Classification: Likely benign for Spinocerebellar Ataxia, Dominant. Last evaluated: 2018-01-12. Review status: criteria provided, single submitter. Criteria: ICSL Variant Classification Criteria 13 December 2019. Collection method: clinical testing. Allele origin: germline.
Comment: This variant was observed in the ICSL laboratory as part of a predisposition screen in an ostensibly healthy population. It had not been previously curated by ICSL or reported in the Human Gene Mutation Database (HGMD: prior to June 1st, 2018), and was therefore a candidate for classification through an automated scoring system. Utilizing variant allele frequency, disease prevalence and penetrance estimates, and inheritance mode, an automated score was calculated to assess if this variant is too frequent to cause the disease. Based on the score and internal cut-off values, a variant classified as likely benign is not then subjected to further curation. The score for this variant resulted in a classification of likely benign for this disease.

PreventionGenetics, part of Exact Sciences
Classification: Likely benign for ITPR1-related condition. Last evaluated: 2019-12-12. Review status: no assertion criteria provided. Collection method: clinical testing. Allele origin: germline. Not counted in ClinVar's aggregate classification.
Comment: This variant is classified as likely benign based on ACMG/AMP sequence variant interpretation guidelines (Richards et al. 2015 PMID: 25741868, with internal and published modifications).

NM_001378452.1(ITPR1):c.7098C>T (p.Gly2366=)

Gene: ITPR1 (inositol 1,4,5-trisphosphate receptor type 1; plus strand). Cytogenetic location: 3p26.1.
Variant type: single nucleotide variant.
Coding change: c.7098C>T on transcript NM_001378452.1 (MANE Select); coding-DNA position 7098, C replaced by T.
Protein change: p.Gly2366=; no amino-acid change (glycine 2366 retained).
Molecular consequence: synonymous variant.
Genome position (GRCh38, 1-based): chr3:4,800,591, C>T. VCF-style: chr3-4800591-C-T. GRCh37 (hg19) VCF-style: chr3-4842275-C-T.
Other names: c.6954C>T, p.Gly2318= (NM_001099952.4); c.7053C>T, p.Gly2351= (NM_001168272.2); c.6909C>T, p.Gly2303= (NM_002222.7).
Identifiers: ClinVar variation 345759 (VCV000345759.45), dbSNP rs41290672, ClinGen allele CA2232770.